The following is an entry in ClinVar:

ClinVar aggregate classification (germline): Benign/Likely benign. Review status: criteria provided, multiple submitters, no conflicts (2 of 4 stars). 3 submissions from 3 submitters: Benign (1); Likely benign (2). Last evaluated 2026-05-14.

Conditions:
RAI1-related disorder. Also called: RAI1-related condition.
Inborn genetic diseases. Identifiers: MedGen C0950123, MeSH D030342.

Allele frequency attached by ClinVar (database versions not stated): gnomAD exomes 0.00003 and 0.00006; gnomAD 0.00004; TOPMed 0.00004; ExAC 0.00005; ESP Exome Variant Server 0.00008.
gnomAD v4.1: 45 of 1,613,346 alleles (0.0028%); highest among the groups gnomAD compares: Admixed American, 0.027%; no homozygotes.

Submissions (3):

PreventionGenetics, part of Exact Sciences
Classification: Likely benign for RAI1-related condition. Last evaluated: 2026-05-14. Review status: criteria provided, single submitter. Criteria: ACMG Guidelines, 2015. Collection method: clinical testing. Allele origin: germline.
Comment: This variant is classified as likely benign based on ACMG/AMP sequence variant interpretation guidelines (Richards et al. 2015 PMID: 25741868, with internal and published modifications).

Labcorp Genetics (formerly Invitae), Labcorp
Classification: Benign. Last evaluated: 2025-09-23. Review status: criteria provided, single submitter. Criteria: Invitae Variant Classification Sherloc (09022015). Collection method: clinical testing. Allele origin: germline.

Ambry Genetics
Classification: Likely benign for Inborn genetic diseases. Last evaluated: 2025-09-10. Review status: criteria provided, single submitter. Criteria: Ambry Variant Classification Scheme 2023. Collection method: clinical testing. Allele origin: germline.

NM_030665.4(RAI1):c.3761A>G (p.Asn1254Ser)

Gene: RAI1 (retinoic acid induced 1; plus strand). Cytogenetic location: 17p11.2.
Variant type: single nucleotide variant.
Coding change: c.3761A>G on transcript NM_030665.4 (MANE Select); coding-DNA position 3761, A replaced by G.
Protein change: p.Asn1254Ser; replaces asparagine 1254 with serine.
Molecular consequence: missense variant.
Genome position (GRCh38, 1-based): chr17:17,796,709, A>G. VCF-style: chr17-17796709-A-G. GRCh37 (hg19) VCF-style: chr17-17700023-A-G.
Other names: c.3761A>G (NM_030665.3); short protein forms N1254S.
Identifiers: ClinVar variation 1600239 (VCV001600239.12), dbSNP rs141204901, ClinGen allele CA8418813.